The following is an entry in ClinVar:

NM_001605.3(AARS1):c.2548G>A (p.Asp850Asn)

Gene: AARS1 (alanyl-tRNA synthetase 1; minus strand). Cytogenetic location: 16q22.1.
Variant type: single nucleotide variant.
Coding change: c.2548G>A on transcript NM_001605.3 (MANE Select); coding-DNA position 2548, G replaced by A.
Protein change: p.Asp850Asn; replaces aspartic acid 850 with asparagine.
Molecular consequence: missense variant.
Genome position (GRCh38, 1-based): chr16:70,253,773, C>T on the plus strand (G>A on the coding strand, the complement: AARS1 is on the minus strand). VCF-style: chr16-70253773-C-T. GRCh37 (hg19) VCF-style: chr16-70287676-C-T.
Other names: short protein forms D850N.
Identifiers: ClinVar variation 835745 (VCV000835745.8), dbSNP rs772849771, ClinGen allele CA8140368.

ClinVar aggregate classification (germline): Uncertain significance. Review status: criteria provided, multiple submitters, no conflicts (2 of 4 stars). 2 submissions from 2 submitters: Uncertain significance (2). Last evaluated 2025-11-23.

Conditions:
Charcot-Marie-Tooth disease type 2. Also called: Charcot-Marie-Tooth type 2. Identifiers: Orphanet 64746, MedGen C0270914, MONDO:0018993.
Inborn genetic diseases. Identifiers: MedGen C0950123, MeSH D030342.

Allele frequency attached by ClinVar (database versions not stated): TOPMed 0.00002; gnomAD 0.00003 and 0.00004; ExAC 0.00002.
gnomAD v4.1: 23 of 1,614,030 alleles (0.0014%); highest among the groups gnomAD compares: Admixed American, 0.023%; no homozygotes.

Submissions (2):

Labcorp Genetics (formerly Invitae), Labcorp
Classification: Uncertain significance for Charcot-Marie-Tooth disease type 2. Last evaluated: 2025-11-23. Review status: criteria provided, single submitter. Criteria: Invitae Variant Classification Sherloc (09022015). Collection method: clinical testing. Allele origin: germline.
Comment: This sequence change replaces aspartic acid, which is acidic and polar, with asparagine, which is neutral and polar, at codon 850 of the AARS protein (p.Asp850Asn). This variant is present in population databases (rs772849771, gnomAD 0.02%). This variant has not been reported in the literature in individuals affected with AARS-related conditions. ClinVar contains an entry for this variant (Variation ID: 835745). An algorithm developed to predict the effect of missense changes on protein structure and function (PolyPhen-2) suggests that this variant is likely to be tolerated. In summary, the available evidence is currently insufficient to determine the role of this variant in disease. Therefore, it has been classified as a Variant of Uncertain Significance.

Ambry Genetics
Classification: Uncertain significance for Inborn genetic diseases. Last evaluated: 2023-05-09. Review status: criteria provided, single submitter. Criteria: Ambry Variant Classification Scheme 2023. Collection method: clinical testing. Allele origin: germline.